The following is an entry in ClinVar:

ClinVar aggregate classification (germline): Uncertain significance (1 of 4 stars; one submission).

Allele frequency attached by ClinVar (database versions not stated): gnomAD 0.00001; gnomAD exomes 0.00002.

Submission:

Labcorp Genetics (formerly Invitae), Labcorp
Classification: Uncertain significance. Last evaluated: 2023-10-08. Review status: criteria provided, single submitter. Criteria: Invitae Variant Classification Sherloc (09022015). Collection method: clinical testing. Allele origin: germline.
Comment: This sequence change replaces glycine, which is neutral and non-polar, with serine, which is neutral and polar, at codon 98 of the MNX1 protein (p.Gly98Ser). The frequency data for this variant in the population databases is considered unreliable, as metrics indicate insufficient coverage at this position in the gnomAD database. This variant has not been reported in the literature in individuals affected with MNX1-related conditions. Advanced modeling of protein sequence and biophysical properties (such as structural, functional, and spatial information, amino acid conservation, physicochemical variation, residue mobility, and thermodynamic stability) performed at Invitae indicates that this missense variant is not expected to disrupt MNX1 protein function. In summary, the available evidence is currently insufficient to determine the role of this variant in disease. Therefore, it has been classified as a Variant of Uncertain Significance.

NM_005515.4(MNX1):c.292G>A (p.Gly98Ser)

Gene: MNX1 (motor neuron and pancreas homeobox 1; minus strand). Cytogenetic location: 7q36.3.
Variant type: single nucleotide variant.
Coding change: c.292G>A on transcript NM_005515.4 (MANE Select); coding-DNA position 292, G replaced by A.
Protein change: p.Gly98Ser; replaces glycine 98 with serine.
Molecular consequence: missense variant.
Genome position (GRCh38, 1-based): chr7:157,010,059, C>T on the plus strand (G>A on the coding strand, the complement: MNX1 is on the minus strand). VCF-style: chr7-157010059-C-T. GRCh37 (hg19) VCF-style: chr7-156802753-C-T.
Other names: short protein forms G98S.
Identifiers: ClinVar variation 2958095 (VCV002958095.3), dbSNP rs1411142835, ClinGen allele CA370164858.